The following is an entry in ClinVar:

NM_005529.7(HSPG2):c.10460C>A (p.Pro3487His)

Gene: HSPG2 (heparan sulfate proteoglycan 2; minus strand). Cytogenetic location: 1p36.12.
Variant type: single nucleotide variant.
Coding change: c.10460C>A on transcript NM_005529.7 (MANE Select); coding-DNA position 10460, C replaced by A.
Protein change: p.Pro3487His; replaces proline 3487 with histidine.
Molecular consequence: missense variant.
Genome position (GRCh38, 1-based): chr1:21,834,939, G>T on the plus strand (C>A on the coding strand, the complement: HSPG2 is on the minus strand). VCF-style: chr1-21834939-G-T. GRCh37 (hg19) VCF-style: chr1-22161432-G-T.
Other names: c.10463C>A, p.Pro3488His (NM_001291860.2); short protein forms P3487H, P3488H.
Identifiers: ClinVar variation 439811 (VCV000439811.14), dbSNP rs144411636, ClinGen allele CA670107.
Genomic context (GRCh38, chr1:21,834,939, plus strand): 5'-TCCACGGCGTGGCCAACCACCACGGTCTGCACAGAGGTCCGGATGTTGATGAGCACCGAG[G>T]GCAGGGCTGGGGAGGAGGGAGGCAGAGGTCCAGTGAGATCAGTCACTGCAGGCCTGGCCC-3'
Protein context (NP_005520.4, residues 3477-3497): ASAQLVIQAL[Pro3487His]SVLINIRTSV

ClinVar aggregate classification (germline): Uncertain significance. Review status: criteria provided, multiple submitters, no conflicts (2 of 4 stars). 4 submissions from 4 submitters: Uncertain significance (4). Last evaluated 2024-10-14.

Allele frequency attached by ClinVar (database versions not stated): gnomAD 0.00002 and 0.00003; TOPMed 0.00009; 1000 Genomes Project 30x 0.00016; ExAC 0.00018; 1000 Genomes Project 0.00020; gnomAD exomes 0.00027.
gnomAD v4.1: 129 of 1,612,060 alleles (0.008%); highest among the groups gnomAD compares: Admixed American, 0.11%; no homozygotes.

Submissions (4):

Blueprint Genetics
Classification: Uncertain significance. Last evaluated: 2024-10-14. Review status: criteria provided, single submitter. Criteria: ACMG Guidelines, 2015. Collection method: clinical testing. Allele origin: germline.

Labcorp Genetics (formerly Invitae), Labcorp
Classification: Uncertain significance. Last evaluated: 2022-08-23. Review status: criteria provided, single submitter. Criteria: Invitae Variant Classification Sherloc (09022015). Collection method: clinical testing. Allele origin: germline.
Comment: This sequence change replaces proline, which is neutral and non-polar, with histidine, which is basic and polar, at codon 3487 of the HSPG2 protein (p.Pro3487His). This variant is present in population databases (rs144411636, gnomAD 0.2%). This variant has not been reported in the literature in individuals affected with HSPG2-related conditions. ClinVar contains an entry for this variant (Variation ID: 439811). Algorithms developed to predict the effect of missense changes on protein structure and function are either unavailable or do not agree on the potential impact of this missense change (SIFT: "Deleterious"; PolyPhen-2: "Probably Damaging"; Align-GVGD: "Class C0"). In summary, the available evidence is currently insufficient to determine the role of this variant in disease. Therefore, it has been classified as a Variant of Uncertain Significance.

Athena Diagnostics
Classification: Uncertain significance. Last evaluated: 2020-10-14. Review status: criteria provided, single submitter. Criteria: Athena Diagnostics criteria. Collection method: clinical testing. Allele origin: unknown.

ARUP Laboratories, Molecular Genetics and Genomics, ARUP Laboratories
Classification: Uncertain significance. Last evaluated: 2017-03-17. Review status: criteria provided, single submitter. Criteria: ARUP Molecular Germline Variant Investigation Process. Collection method: clinical testing. Allele origin: germline.